The following is an entry in ClinVar:

ClinVar aggregate classification (germline): Uncertain significance (1 of 4 stars; one submission).

Allele frequency attached by ClinVar (database versions not stated): gnomAD exomes 0.00001.
gnomAD v4.1: 5 of 1,614,004 alleles (0.00031%); highest among the groups gnomAD compares: Non-Finnish European, 0.00042%; no homozygotes.

Submission:

Labcorp Genetics (formerly Invitae), Labcorp
Classification: Uncertain significance. Last evaluated: 2024-07-29. Review status: criteria provided, single submitter. Criteria: Invitae Variant Classification Sherloc (09022015). Collection method: clinical testing. Allele origin: germline.
Comment: This sequence change replaces threonine, which is neutral and polar, with alanine, which is neutral and non-polar, at codon 776 of the HTT protein (p.Thr776Ala). This variant is present in population databases (no rsID available, gnomAD 0.007%). This variant has not been reported in the literature in individuals affected with HTT-related conditions. ClinVar contains an entry for this variant (Variation ID: 1395334). Experimental studies and prediction algorithms are not available or were not evaluated, and the functional significance of this variant is currently unknown. In summary, the available evidence is currently insufficient to determine the role of this variant in disease. Therefore, it has been classified as a Variant of Uncertain Significance.

NM_001388492.1(HTT):c.2320A>G (p.Thr774Ala)

Gene: HTT (huntingtin; plus strand). Cytogenetic location: 4p16.3.
Variant type: single nucleotide variant.
Coding change: c.2320A>G on transcript NM_001388492.1 (MANE Select); coding-DNA position 2320, A replaced by G.
Protein change: p.Thr774Ala; replaces threonine 774 with alanine.
Molecular consequence: missense variant.
Genome position (GRCh38, 1-based): chr4:3,132,645, A>G. VCF-style: chr4-3132645-A-G. GRCh37 (hg19) VCF-style: chr4-3134372-A-G.
Other names: c.2326A>G, p.Thr776Ala (NM_002111.8); short protein forms T774A, T776A.
Identifiers: ClinVar variation 1395334 (VCV001395334.6), dbSNP rs1038768767, ClinGen allele CA91436594.